The following is an entry in ClinVar:

NM_001377.3(DYNC2H1):c.2753_2754del (p.Val918fs)

Gene: DYNC2H1 (dynein cytoplasmic 2 heavy chain 1; plus strand). Cytogenetic location: 11q22.3.
Variant type: Microsatellite.
Coding change: c.2753_2754del on transcript NM_001377.3 (MANE Select); coding-DNA positions 2753 to 2754, 2 bases deleted (TG; older notation c.2753_2754delTG).
Protein change: p.Val918fs; shifts the reading frame from valine 918.
Molecular consequence: frameshift variant.
Genome position (GRCh38, 1-based): chr11:103,147,822-103,147,823, TG deleted; deleting any 2 consecutive bases within chr11:103,147,820-103,147,823 gives the same sequence; the c. name uses the placement nearest the transcript's 3' end. VCF-style (leftmost placement, unchanged base first): chr11-103147819-CTG-C. GRCh37 (hg19) VCF-style: chr11-103018548-CTG-C.
Other names: c.2753_2754del, p.Val918fs (NM_001080463.2); short protein forms V918fs.
Identifiers: ClinVar variation 5015369 (VCV005015369.1).

ClinVar aggregate classification (germline): Pathogenic (1 of 4 stars; one submission).

Conditions:
Asphyxiating thoracic dystrophy 3. Also called: SHORT-RIB THORACIC DYSPLASIA 3 WITH OR WITHOUT POLYDACTYLY; POLYDACTYLY WITH NEONATAL CHONDRODYSTROPHY, TYPE I; SHORT-RIB THORACIC DYSPLASIA 3/6 WITH POLYDACTYLY, DIGENIC; Short rib polydactyly syndrome 2B; Saldino-Noonan Syndrome. Identifiers: Orphanet 474, Orphanet 93269, Orphanet 93270, Orphanet 93271, MedGen C0036069, MONDO:0013127, OMIM 613091.

Submission:

Myriad Genetics, Inc.
Classification: Pathogenic for Asphyxiating thoracic dystrophy 3. Last evaluated: 2025-12-25. Review status: criteria provided, single submitter. Criteria: Myriad Autosomal Dominant, Autosomal Recessive and X-Linked Classification Criteria (2023). Collection method: clinical testing. Allele origin: unknown.
Comment: NM_001377.2(DYNC2H1):c.2753_2754delTG(V918Dfs*2) is expected to be pathogenic in the context of DYNC2H1-related disorders. This variant is predicted to lead to an abnormal or absent protein product due to the creation of a premature termination codon in DYNC2H1, a gene where loss-of-function variants are known to be pathogenic. Please note: this variant was assessed in the context of healthy population screening.